The following is an entry in ClinVar:

NM_000179.3(MSH6):c.3213_3225del (p.Gly1072fs)

Gene: MSH6 (mutS homolog 6; plus strand). Cytogenetic location: 2p16.3.
Variant type: Deletion.
Coding change: c.3213_3225del on transcript NM_000179.3 (MANE Select); coding-DNA positions 3213 to 3225, 13 bases deleted (TGGTCCTATGTGT).
Protein change: p.Gly1072fs; shifts the reading frame from glycine 1072.
Molecular consequence: frameshift variant. On other transcripts: nonsense (1), initiator codon variant (1), non-coding transcript variant (5), intron variant (1).
Genome position (GRCh38, 1-based): chr2:47,803,460-47,803,472, TGGTCCTATGTGT deleted. VCF-style (leftmost placement, unchanged base first): chr2-47803459-ATGGTCCTATGTGT-A. GRCh37 (hg19) VCF-style: chr2-48030598-ATGGTCCTATGTGT-A.
Other names: c.2823_2835del, p.Gly942fs (NM_001281492.2); c.2307_2319del, p.Gly770fs (NM_001281493.2, NM_001281494.2, NM_001406811.1 and 6 more transcripts); c.3309_3321del, p.Gly1104fs (NM_001406795.1, NM_001406802.1); c.3213_3225del, p.Gly1072fs (NM_001406796.1, NM_001406800.1, NM_001406808.1 and 1 more transcripts); c.2916_2928del, p.Gly973fs (NM_001406797.1, NM_001406801.1, NM_001406805.1 and 10 more transcripts); c.2688_2700del, p.Gly897fs (NM_001406799.1, NM_001406806.1, NM_001406807.1); c.2349_2361del, p.Gly784fs (NM_001406803.1); c.3135_3147del, p.Gly1046fs (NM_001406804.1); and 7 more; short protein forms G1046fs, G1074fs, G942fs, G21fs, G550fs, G784fs, G1072fs, G1104fs.
Identifiers: ClinVar variation 3723464 (VCV003723464.2).

ClinVar aggregate classification (germline): Pathogenic (1 of 4 stars; one submission).

Conditions:
Hereditary nonpolyposis colorectal neoplasms. Identifiers: MedGen C0009405, MeSH D003123.

Submission:

Labcorp Genetics (formerly Invitae), Labcorp
Classification: Pathogenic for Hereditary nonpolyposis colorectal neoplasms. Last evaluated: 2024-10-21. Review status: criteria provided, single submitter. Criteria: Invitae Variant Classification Sherloc (09022015). Collection method: clinical testing. Allele origin: germline.
Comment: This sequence change creates a premature translational stop signal (p.Gly1072Alafs*3) in the MSH6 gene. It is expected to result in an absent or disrupted protein product. Loss-of-function variants in MSH6 are known to be pathogenic (PMID: 18269114, 24362816). This variant is not present in population databases (gnomAD no frequency). This variant has not been reported in the literature in individuals affected with MSH6-related conditions. For these reasons, this variant has been classified as Pathogenic.

Literature cited by the submitters: PubMed 18269114; PubMed 24362816.